The following is an entry in ClinVar:

NC_000013.11:g.32339096delinsAA

Gene: BRCA2 (BRCA2 DNA repair associated; plus strand). Cytogenetic location: 13q13.1.
Variant type: Indel.
Genome position: GRCh38 VCF-style: chr13-32339096-G-AA. GRCh37 (hg19) VCF-style: chr13-32913233-G-AA.
Other names: 4969delGinsAA; c.4741delinsAA, p.Glu1581fs (LRG_293t1).
Identifiers: ClinVar variation 266830 (VCV000266830.5), dbSNP rs886040547, ClinGen allele CA10589271.

ClinVar aggregate classification (germline): Pathogenic. Review status: reviewed by expert panel (3 of 4 stars). 2 submissions from 2 submitters: Pathogenic (1). 1 of the submissions does not count toward it. Last evaluated 2016-10-18.

Conditions:
Breast-ovarian cancer, familial, susceptibility to, 2 (BROVCA2). Also called: BRCA2 Hereditary Breast and Ovarian Cancer. Identifiers: Orphanet 145, MedGen C2675520, MONDO:0012933, OMIM 612555. Disease mechanism: loss of function.

Submissions (2):

Evidence-based Network for the Interpretation of Germline Mutant Alleles (ENIGMA)
Classification: Pathogenic for Breast-ovarian cancer, familial, susceptibility to, 2. Last evaluated: 2016-10-18. Review status: reviewed by expert panel. Criteria: ENIGMA BRCA1/2 Classification Criteria (2015). Collection method: curation. Allele origin: germline.
Comment: Variant allele predicted to encode a truncated non-functional protein.

Consortium of Investigators of Modifiers of BRCA1/2 (CIMBA), c/o University of Cambridge
Classification: Pathogenic for Breast-ovarian cancer, familial, susceptibility to, 2. Last evaluated: 2015-10-02. Review status: criteria provided, single submitter. Criteria: CIMBA Mutation Classification guidelines May 2016. Collection method: clinical testing. Allele origin: germline. Not counted in ClinVar's aggregate classification.